The following is an entry in ClinVar:

ClinVar aggregate classification (germline): Pathogenic (1 of 4 stars; one submission).

Conditions:
Recessive dystrophic epidermolysis bullosa (RDEB). Also called: DYSTROPHIC EPIDERMOLYSIS BULLOSA, AUTOSOMAL RECESSIVE; EPIDERMOLYSIS BULLOSA DYSTROPHICA, HALLOPEAU-SIEMENS TYPE; Hallopeau-Siemens Disease; severe generalized recessive dystrophic epidermolysis bullosa; EPIDERMOLYSIS BULLOSA DYSTROPHICA, GENERALIZED SEVERE, AUTOSOMAL RECESSIVE; Epidermolysis Bullosa Distrophica Autosomal Recessive (RDEB). Identifiers: Orphanet 79408, Orphanet 79409, MedGen C0079474, MONDO:0009179, OMIM 226600.

Submission:

Myriad Genetics, Inc.
Classification: Pathogenic for Recessive dystrophic epidermolysis bullosa. Last evaluated: 2026-04-23. Review status: criteria provided, single submitter. Criteria: Myriad Autosomal Dominant, Autosomal Recessive and X-Linked Classification Criteria (2023). Collection method: clinical testing. Allele origin: unknown.
Comment: NM_000094.3(COL7A1):c.4717G>T(E1573*) is expected to be pathogenic in the context of dystrophic epidermolysis bullosa. This variant is predicted to lead to an abnormal or absent protein product due to the creation of a premature termination codon in COL7A1, a gene where loss-of-function variants are known to be pathogenic. Please note: this variant was assessed in the context of healthy population screening.

NM_000094.4(COL7A1):c.4717G>T (p.Glu1573Ter)

Gene: COL7A1 (collagen type VII alpha 1 chain; minus strand). Cytogenetic location: 3p21.31.
Variant type: single nucleotide variant.
Coding change: c.4717G>T on transcript NM_000094.4 (MANE Select); coding-DNA position 4717, G replaced by T.
Protein change: p.Glu1573Ter; replaces glutamic acid 1573 with a stop codon.
Molecular consequence: nonsense.
Genome position (GRCh38, 1-based): chr3:48,581,711, C>A on the plus strand (G>T on the coding strand, the complement: COL7A1 is on the minus strand). VCF-style: chr3-48581711-C-A. GRCh37 (hg19) VCF-style: chr3-48619144-C-A.
Other names: short protein forms E1573*.
Identifiers: ClinVar variation 5015822 (VCV005015822.1).